The following is an entry in ClinVar:

NM_017780.4(CHD7):c.4951C>G (p.Leu1651Val)

Gene: CHD7 (chromodomain helicase DNA binding protein 7; plus strand). Cytogenetic location: 8q12.2.
Variant type: single nucleotide variant.
Coding change: c.4951C>G on transcript NM_017780.4 (MANE Select); coding-DNA position 4951, C replaced by G.
Protein change: p.Leu1651Val; replaces leucine 1651 with valine.
Molecular consequence: missense variant. On other transcripts: intron variant (1).
Genome position (GRCh38, 1-based): chr8:60,844,964, C>G. VCF-style: chr8-60844964-C-G. GRCh37 (hg19) VCF-style: chr8-61757523-C-G.
Other names: c.1717-17265C>G (NM_001316690.1); short protein forms L1651V.
Identifiers: ClinVar variation 1957288 (VCV001957288.5), dbSNP rs2487970542, ClinGen allele CA371319942.

ClinVar aggregate classification (germline): Uncertain significance (1 of 4 stars; one submission).

Conditions:
CHARGE syndrome (CHARGE). Also called: Hittner Hirsch Kreh syndrome; CHARGE ASSOCIATION--COLOBOMA, HEART ANOMALY, CHOANAL ATRESIA, RETARDATION, GENITAL AND EAR ANOMALIES; Coloboma, heart anomaly, choanal atresia, retardation, genital and ear anomalies; CHARGE association; Hall-Hittner syndrome. Identifiers: Orphanet 138, MedGen C0265354, MONDO:0008965.

Submission:

Labcorp Genetics (formerly Invitae), Labcorp
Classification: Uncertain significance for CHARGE syndrome. Last evaluated: 2022-05-27. Review status: criteria provided, single submitter. Criteria: Invitae Variant Classification Sherloc (09022015). Collection method: clinical testing. Allele origin: germline.
Comment: In summary, the available evidence is currently insufficient to determine the role of this variant in disease. Therefore, it has been classified as a Variant of Uncertain Significance. Algorithms developed to predict the effect of missense changes on protein structure and function are either unavailable or do not agree on the potential impact of this missense change (SIFT: "Deleterious"; PolyPhen-2: "Probably Damaging"; Align-GVGD: "Class C15"). This variant has not been reported in the literature in individuals affected with CHD7-related conditions. This variant is not present in population databases (gnomAD no frequency). This sequence change replaces leucine, which is neutral and non-polar, with valine, which is neutral and non-polar, at codon 1651 of the CHD7 protein (p.Leu1651Val).